The following is an entry in ClinVar:

ClinVar aggregate classification (germline): Pathogenic/Likely pathogenic. Review status: criteria provided, multiple submitters, no conflicts (2 of 4 stars). 2 submissions from 2 submitters: Pathogenic (1); Likely pathogenic (1). Last evaluated 2025-02-13.

Conditions:
Epidermolysis bullosa simplex 3, localized or generalized intermediate, with BP230 deficiency (EBS3). Also called: Epidermolysis bullosa simplex, autosomal recessive 2; Epidermolysis bullosa simplex due to BP230 deficiency. Identifiers: Orphanet 412181, MedGen C3809470, MONDO:0014180, OMIM 615425.
Hereditary sensory and autonomic neuropathy type 6. Also called: HSAN VI; Neuropathy, hereditary sensory and autonomic, type VI. Identifiers: Orphanet 314381, MedGen C3539003, MONDO:0013839, OMIM 614653.
DST-related disorder. Also called: DST-related condition; DST-related disorders.

Allele frequency attached by ClinVar (database versions not stated): gnomAD exomes below 0.00001.
gnomAD v4.1: 6 of 1,612,940 alleles (0.00037%); highest among the groups gnomAD compares: Non-Finnish European, 0.00051%; no homozygotes.

Submissions (2):

PreventionGenetics, part of Exact Sciences
Classification: Likely pathogenic for DST-related condition. Last evaluated: 2025-02-13. Review status: criteria provided, single submitter. Criteria: ACMG Guidelines, 2015. Collection method: clinical testing. Allele origin: germline.
Comment: The DST c.4763T>A variant is predicted to result in premature protein termination (p.Leu1588*). This variant has not been reported in the literature or in a large population database, indicating this variant is rare. Nonsense variants in DST are expected to be pathogenic. This variant is interpreted as likely pathogenic.

Labcorp Genetics (formerly Invitae), Labcorp
Classification: Pathogenic for Epidermolysis bullosa simplex 3, localized or generalized intermediate, with BP230 deficiency; Hereditary sensory and autonomic neuropathy type 6. Last evaluated: 2019-10-21. Review status: criteria provided, single submitter. Criteria: Invitae Variant Classification Sherloc (09022015). Collection method: clinical testing. Allele origin: germline.
Comment: This sequence change creates a premature translational stop signal (p.Leu1588*) in the DST gene. It is expected to result in an absent or disrupted protein product. This variant is not present in population databases (ExAC no frequency). This variant has not been reported in the literature in individuals with DST-related conditions. Loss-of-function variants in DST are known to be pathogenic (PMID: 25059916). For these reasons, this variant has been classified as Pathogenic.

Literature cited by the submitters: PubMed 25059916 (cited by Labcorp Genetics (formerly Invitae), Labcorp).

NM_001723.7(DST):c.4763T>A (p.Leu1588Ter)

Gene: DST (dystonin; minus strand). Cytogenetic location: 6p12.1.
Variant type: single nucleotide variant.
Coding change: c.4763T>A on transcript NM_001723.7 (MANE Plus Clinical); coding-DNA position 4763, T replaced by A.
Protein change: p.Leu1588Ter; replaces leucine 1588 with a stop codon.
Molecular consequence: nonsense. On other transcripts: intron variant (10).
Genome position (GRCh38, 1-based): chr6:56,619,271, A>T on the plus strand (T>A on the coding strand, the complement: DST is on the minus strand). VCF-style: chr6-56619271-A-T. GRCh37 (hg19) VCF-style: chr6-56484069-A-T.
Other names: c.4831-4787T>A (NM_001144769.5); c.4930-4787T>A (NM_001374722.1, NM_001374736.1); c.4957-4787T>A (NM_001374734.1); c.4417-4787T>A (NM_001144770.2); c.4297-4787T>A (NM_001374730.1, NM_001386100.1, NM_183380.4 and 1 more transcripts); c.3319-4787T>A (NM_015548.5); short protein forms L1588*.
Identifiers: ClinVar variation 968741 (VCV000968741.9), dbSNP rs780422336, ClinGen allele CA364568923.
Genomic context (GRCh38, chr6:56,619,271, plus strand): 5'-TGGATAGTTTGTTTCTCTAAAACTATATTCTCTGATTCTGCCTGAATTCTCTGCATCATT[A>T]ATTTGGTTTCATTATTCTGCCTAGTAAGCTCCTCTACTTTTTGTTTTAGCATCTCTGCAC-3'